The following is an entry in ClinVar:

NM_007294.4(BRCA1):c.134+3597C>T

Gene: BRCA1 (BRCA1 DNA repair associated; minus strand). Cytogenetic location: 17q21.31.
Variant type: single nucleotide variant.
Coding change: c.134+3597C>T on transcript NM_007294.4 (MANE Select); 3597 bases into the intron after coding-DNA position 134, C replaced by T.
Molecular consequence: intron variant.
Genome position (GRCh38, 1-based): chr17:43,112,129, G>A on the plus strand (C>T on the coding strand, the complement: BRCA1 is on the minus strand). VCF-style: chr17-43112129-G-A. GRCh37 (hg19) VCF-style: chr17-41264146-G-A.
Other names: IVS 3+3597C>T; c.-8+3597C>T (NM_001408458.1, NM_001408470.1, NM_001407848.1 and 47 more transcripts); c.-219+13148C>T (NM_001407967.1); c.-169-7173C>T (NM_001407959.1, NM_001407963.1); c.-7-5596C>T (NM_001407931.1, NM_001407747.1, NM_001408461.1 and 30 more transcripts); c.-170+3597C>T (NM_001407962.1, NM_001408512.1, NM_001408510.1 and 1 more transcripts); c.-55+3597C>T (NM_001407885.1, NM_001407886.1, NM_001408509.1 and 52 more transcripts); c.-123-1549C>T (NM_001407746.1, NM_001408468.1, NM_001407842.1 and 13 more transcripts); and 10 more.
Identifiers: ClinVar variation 209519 (VCV000209519.2), dbSNP rs11657823, ClinGen allele CA276488.

ClinVar aggregate classification (germline): Benign (3 of 4 stars; one submission).

Conditions:
Breast-ovarian cancer, familial, susceptibility to, 1 (BROVCA1). Also called: BRCA1 Hereditary Breast and Ovarian Cancer; OVARIAN CANCER, SUSCEPTIBILITY TO. Identifiers: Orphanet 145, MedGen C2676676, MONDO:0011450, OMIM 604370. Disease mechanism: loss of function.

Allele frequency attached by ClinVar (database versions not stated): TOPMed 0.28252; gnomAD 0.29180 and 0.30051; 1000 Genomes Project 30x 0.32886; 1000 Genomes Project 0.33446.
gnomAD v4.1: 45,342 of 150,766 alleles (30%); highest among the groups gnomAD compares: South Asian, 49%; 7,339 homozygotes.

Submission:

Evidence-based Network for the Interpretation of Germline Mutant Alleles (ENIGMA)
Classification: Benign for Breast-ovarian cancer, familial 1. Last evaluated: 2015-01-12. Review status: reviewed by expert panel. Criteria: ENIGMA BRCA1/2 Classification Criteria (2015). Collection method: curation. Allele origin: germline.
Comment: Class 1 not pathogenic based on frequency >1% in an outbred sampleset. Frequency 0.3322 (Asian), 0.1321 (African), 0.3536 (European), derived from 1000 genomes (2012-04-30).